The following is an entry in ClinVar:

ClinVar aggregate classification (germline): Benign (1 of 4 stars; one submission).

Allele frequency attached by ClinVar (database versions not stated): 1000 Genomes Project 0.00260; 1000 Genomes Project 30x 0.00312; TOPMed 0.00728; gnomAD 0.00785; ESP Exome Variant Server 0.00877; ExAC 0.01031.
gnomAD v4.1: 17,410 of 1,614,056 alleles (1.1%); highest among the groups gnomAD compares: Non-Finnish European, 1.2%; 121 homozygotes.

Submission:

CeGaT Center for Human Genetics Tuebingen
Classification: Benign. Last evaluated: 2025-10-01. Review status: criteria provided, single submitter. Criteria: CeGaT Center For Human Genetics Tuebingen Variant Classification Criteria Version 2. Collection method: clinical testing. Allele origin: germline. Affected: yes. Observed: 5 variant alleles.
Comment: SLC26A8: BP4, BS1, BS2

NM_052961.4(SLC26A8):c.2734C>T (p.Pro912Ser)

Gene: SLC26A8 (solute carrier family 26 member 8; minus strand). Cytogenetic location: 6p21.31.
Variant type: single nucleotide variant.
Coding change: c.2734C>T on transcript NM_052961.4 (MANE Select); coding-DNA position 2734, C replaced by T.
Protein change: p.Pro912Ser; replaces proline 912 with serine.
Molecular consequence: missense variant.
Genome position (GRCh38, 1-based): chr6:35,944,079, G>A on the plus strand (C>T on the coding strand, the complement: SLC26A8 is on the minus strand). VCF-style: chr6-35944079-G-A. GRCh37 (hg19) VCF-style: chr6-35911856-G-A.
Other names: c.2734C>T, p.Pro912Ser (NM_001193476.2); c.2419C>T, p.Pro807Ser (NM_138718.3); short protein forms P807S, P912S.
Identifiers: ClinVar variation 2656511 (VCV002656511.24), dbSNP rs61741366, ClinGen allele CA3775166.